The following is an entry in ClinVar:

NM_001376.5(DYNC1H1):c.8343+148C>T

Gene: DYNC1H1 (dynein cytoplasmic 1 heavy chain 1; plus strand). Cytogenetic location: 14q32.31.
Variant type: single nucleotide variant.
Coding change: c.8343+148C>T on transcript NM_001376.5 (MANE Select); 148 bases into the intron after coding-DNA position 8343, C replaced by T.
Molecular consequence: intron variant.
Genome position (GRCh38, 1-based): chr14:102,018,764, C>T. VCF-style: chr14-102018764-C-T. GRCh37 (hg19) VCF-style: chr14-102485101-C-T.
Identifiers: ClinVar variation 677418 (VCV000677418.2), dbSNP rs17512509, ClinGen allele CA266955220.
Genomic context (GRCh38, chr14:102,018,764, plus strand): 5'-TAATCCCAGCATTTTGGGAGGCCAAGGTGGGTGGATCCTTTGAGCCCAGGAGTTTGAGAC[C>T]AGTCTGGACAACATGGCAAAACCCTGTCTCTACAAAAAATAGGTGGGCGTGGTGGTGCAT-3'

ClinVar aggregate classification (germline): Likely benign. Review status: criteria provided, multiple submitters, no conflicts (2 of 4 stars). 2 submissions from 2 submitters: Likely benign (2). Last evaluated 2018-06-20.

Allele frequency attached by ClinVar (database versions not stated): 1000 Genomes Project 0.01118; 1000 Genomes Project 30x 0.01156; gnomAD 0.01672 and 0.01696; TOPMed 0.01807; gnomAD exomes 0.02241.
gnomAD v4.1: 22,922 of 1,057,690 alleles (2.2%); highest among the groups gnomAD compares: South Asian, 4.2%; 361 homozygotes.

Submissions (2):

GeneDx
Classification: Likely benign. Last evaluated: 2018-06-20. Review status: criteria provided, single submitter. Criteria: GeneDx Variant Classification (06012015). Collection method: clinical testing. Allele origin: germline. Affected: yes.
Comment: This variant is considered likely benign or benign based on one or more of the following criteria: it is a conservative change, it occurs at a poorly conserved position in the protein, it is predicted to be benign by multiple in silico algorithms, and/or has population frequency not consistent with disease.

Breakthrough Genomics
Classification: Likely benign. Review status: criteria provided, single submitter. Criteria: ACMG Guidelines, 2015. Collection method: not provided. Allele origin: germline. Inheritance: Autosomal dominant inheritance. Affected: yes.